The following is an entry in ClinVar:

NM_006231.4(POLE):c.4256C>T (p.Ser1419Leu)

Gene: POLE (DNA polymerase epsilon, catalytic subunit; minus strand). Cytogenetic location: 12q24.33.
Variant type: single nucleotide variant.
Coding change: c.4256C>T on transcript NM_006231.4 (MANE Select); coding-DNA position 4256, C replaced by T.
Protein change: p.Ser1419Leu; replaces serine 1419 with leucine.
Molecular consequence: missense variant.
Genome position (GRCh38, 1-based): chr12:132,643,871, G>A on the plus strand (C>T on the coding strand, the complement: POLE is on the minus strand). VCF-style: chr12-132643871-G-A. GRCh37 (hg19) VCF-style: chr12-133220457-G-A.
Other names: short protein forms S1419L.
Identifiers: ClinVar variation 1739124 (VCV001739124.2), dbSNP rs2138559193, ClinGen allele CA387381909.

ClinVar aggregate classification (germline): Uncertain significance (1 of 4 stars; one submission).

Conditions:
Hereditary cancer-predisposing syndrome. Also called: Hereditary Cancer Syndrome; Hereditary neoplastic syndrome; Neoplastic Syndromes, Hereditary; Tumor predisposition. Identifiers: Orphanet 140162, MedGen C0027672, MeSH D009386, MONDO:0015356.

Submission:

Ambry Genetics
Classification: Uncertain significance for Hereditary cancer-predisposing syndrome. Last evaluated: 2022-07-28. Review status: criteria provided, single submitter. Criteria: Ambry Variant Classification Scheme 2023. Collection method: clinical testing. Allele origin: germline.
Comment: The p.S1419L variant (also known as c.4256C>T), located in coding exon 33 of the POLE gene, results from a C to T substitution at nucleotide position 4256. The serine at codon 1419 is replaced by leucine, an amino acid with dissimilar properties. This amino acid position is conserved. In addition, the in silico prediction for this alteration is inconclusive. Since supporting evidence is limited at this time, the clinical significance of this alteration remains unclear.